The following is an entry in ClinVar:

ClinVar aggregate classification (germline): Conflicting classifications of pathogenicity. Review status: criteria provided, conflicting classifications (1 of 4 stars). 2 submissions from 2 submitters: Likely pathogenic (1); Uncertain significance (1). Last evaluated 2025-06-01.

Conditions:
Spondyloepiphyseal dysplasia congenita (SEDC). Also called: SED CONGENITA; SPONDYLOEPIPHYSEAL DYSPLASIA, CONGENITAL TYPE. Identifiers: Orphanet 94068, MedGen C2745959, MONDO:0008471, OMIM 183900.
Stickler syndrome type 1 (STL1). Also called: ARTHROOPHTHALMOPATHY, HEREDITARY PROGRESSIVE; STICKLER SYNDROME, MEMBRANOUS VITREOUS TYPE; STICKLER SYNDROME, VITREOUS TYPE 1; COL2A1-Related Stickler Syndrome. Identifiers: Orphanet 828, Orphanet 90653, MedGen C2020284, MONDO:0007160, OMIM 108300.
Achondrogenesis type II (ACG2). Also called: CHONDROGENESIS IMPERFECTA; ACHONDROGENESIS, LANGER-SALDINO TYPE. Identifiers: Orphanet 932, Orphanet 93296, MedGen C0220685, MONDO:0008702, OMIM 200610.
Spondyloepimetaphyseal dysplasia, Strudwick type (SEMDSTWK). Also called: DAPPLED METAPHYSIS SYNDROME; STRUDWICK SYNDROME. Identifiers: Orphanet 93346, MedGen C0700635, MONDO:0008476, OMIM 184250.
Platyspondylic dysplasia, Torrance type (PLSDT). Identifiers: Orphanet 85166, MedGen C1835437, MONDO:0007895, OMIM 151210.
Spondyloepiphyseal dysplasia with metatarsal shortening. Also called: CZECH DYSPLASIA, METATARSAL TYPE; SPONDYLOEPIPHYSEAL DYSPLASIA WITH PRECOCIOUS OSTEOARTHRITIS; Pseudorheumatoid dysplasia progressive, with hypoplastic toes. Identifiers: Orphanet 137678, MedGen C1836683, MONDO:0012206, OMIM 609162.
Kniest dysplasia. Identifiers: Orphanet 485, MedGen C0265279, MONDO:0007987, OMIM 156550.
Osteoarthritis. Also called: OSTEOARTHROSIS. Identifiers: MedGen C0029408, MONDO:0005178, HP:0002758.

Allele frequency attached by ClinVar (database versions not stated): gnomAD exomes below 0.00001; gnomAD 0.00001.

Submissions (2):

Labcorp Genetics (formerly Invitae), Labcorp
Classification: Likely pathogenic. Last evaluated: 2025-06-01. Review status: criteria provided, single submitter. Criteria: Invitae Variant Classification Sherloc (09022015). Collection method: clinical testing. Allele origin: germline.
Comment: This sequence change replaces arginine, which is basic and polar, with cysteine, which is neutral and slightly polar, at codon 1133 of the COL2A1 protein (p.Arg1133Cys). This variant is not present in population databases (gnomAD no frequency). This missense change has been observed in individual(s) with autosomal recessive spondyloepiphyseal dysplasia (PMID: 31755234). It has also been observed to segregate with disease in related individuals. ClinVar contains an entry for this variant (Variation ID: 1679885). Invitae Evidence Modeling of protein sequence and biophysical properties (such as structural, functional, and spatial information, amino acid conservation, physicochemical variation, residue mobility, and thermodynamic stability) indicates that this missense variant is expected to disrupt COL2A1 protein function with a positive predictive value of 95%. In summary, the currently available evidence indicates that the variant is pathogenic, but additional data are needed to prove that conclusively. Therefore, this variant has been classified as Likely Pathogenic.

Kasturba Medical College, Manipal, Kasturba Medical College, Manipal, Manipal Academy of Higher Education, Manipal, India
Classification: Uncertain significance for Spondyloepiphyseal dysplasia congenita. Last evaluated: 2022-05-09. Review status: criteria provided, single submitter. Criteria: ACMG Guidelines, 2015. Collection method: clinical testing. Allele origin: germline. Affected: yes. Observed: 2 variant alleles.

Literature cited by the submitters: PubMed 31755234 (cited by Labcorp Genetics (formerly Invitae), Labcorp and Kasturba Medical College, Manipal, Kasturba Medical College, Manipal, Manipal Academy of Higher Education, Manipal, India).

NM_001844.5(COL2A1):c.3397C>T (p.Arg1133Cys)

Gene: COL2A1 (collagen type II alpha 1 chain; minus strand). Cytogenetic location: 12q13.11.
Variant type: single nucleotide variant.
Coding change: c.3397C>T on transcript NM_001844.5 (MANE Select); coding-DNA position 3397, C replaced by T.
Protein change: p.Arg1133Cys; replaces arginine 1133 with cysteine.
Molecular consequence: missense variant.
Genome position (GRCh38, 1-based): chr12:47,976,850, G>A on the plus strand (C>T on the coding strand, the complement: COL2A1 is on the minus strand). VCF-style: chr12-47976850-G-A. GRCh37 (hg19) VCF-style: chr12-48370633-G-A.
Other names: c.3190C>T, p.Arg1064Cys (NM_033150.3); short protein forms R1064C, R1133C.
Identifiers: ClinVar variation 1679885 (VCV001679885.9), dbSNP rs1938732355, ClinGen allele CA384538801.